The following is an entry in ClinVar:

ClinVar aggregate classification (germline): Uncertain significance (1 of 4 stars; one submission).

Allele frequency attached by ClinVar (database versions not stated): gnomAD exomes below 0.00001; TOPMed below 0.00001.
gnomAD v4.1: 1 of 1,613,622 alleles (0.000062%); highest among the groups gnomAD compares: Non-Finnish European, 0.000085%; no homozygotes.

Submission:

Labcorp Genetics (formerly Invitae), Labcorp
Classification: Uncertain significance. Last evaluated: 2022-05-01. Review status: criteria provided, single submitter. Criteria: Invitae Variant Classification Sherloc (09022015). Collection method: clinical testing. Allele origin: germline.
Comment: Algorithms developed to predict the effect of missense changes on protein structure and function (SIFT, PolyPhen-2, Align-GVGD) all suggest that this variant is likely to be tolerated. In summary, the available evidence is currently insufficient to determine the role of this variant in disease. Therefore, it has been classified as a Variant of Uncertain Significance. This variant has not been reported in the literature in individuals affected with MYLK3-related conditions. The frequency data for this variant in the population databases is considered unreliable, as metrics indicate poor data quality at this position in the gnomAD database. This sequence change replaces arginine, which is basic and polar, with serine, which is neutral and polar, at codon 66 of the MYLK3 protein (p.Arg66Ser).

NM_182493.3(MYLK3):c.198G>T (p.Arg66Ser)

Gene: MYLK3 (myosin light chain kinase 3; minus strand). Cytogenetic location: 16q11.2.
Variant type: single nucleotide variant.
Coding change: c.198G>T on transcript NM_182493.3 (MANE Select); coding-DNA position 198, G replaced by T.
Protein change: p.Arg66Ser; replaces arginine 66 with serine.
Molecular consequence: missense variant. On other transcripts: intron variant (1).
Genome position (GRCh38, 1-based): chr16:46,747,996, C>A on the plus strand (G>T on the coding strand, the complement: MYLK3 is on the minus strand). VCF-style: chr16-46747996-C-A. GRCh37 (hg19) VCF-style: chr16-46781908-C-A.
Other names: c.-113-7849G>T (NM_001308301.1); short protein forms R66S.
Identifiers: ClinVar variation 1943746 (VCV001943746.5), dbSNP rs1230378296, ClinGen allele CA395798505.